The following is an entry in ClinVar:

ClinVar aggregate classification (germline): Uncertain significance (1 of 4 stars; one submission).

Conditions:
Acute myeloid leukemia (AML). Also called: Acute myeloid leukemia, adult; AML adult; Acute non-lymphocytic leukemia; Acute granulocytic leukemia; Leukemia, acute myeloid, somatic; Leukemia, acute myelogenous, somatic. Identifiers: Orphanet 519, MedGen C0023467, MeSH D015470, MONDO:0018874, OMIM 601626, HP:0004808. Disease mechanism: Constitutively activated FLT3.

Allele frequency attached by ClinVar (database versions not stated): gnomAD 0.00001.

Submission:

Labcorp Genetics (formerly Invitae), Labcorp
Classification: Uncertain significance for Acute myeloid leukemia. Last evaluated: 2026-01-26. Review status: criteria provided, single submitter. Criteria: Invitae Variant Classification Sherloc (09022015). Collection method: clinical testing. Allele origin: germline.
Comment: This sequence change affects codon 306 of the CEBPA mRNA. It is a 'silent' change, meaning that it does not change the encoded amino acid sequence of the CEBPA protein. This variant is not present in population databases (gnomAD no frequency). This variant has not been reported in the literature in individuals affected with CEBPA-related conditions. ClinVar contains an entry for this variant (Variation ID: 2811878). In summary, the available evidence is currently insufficient to determine the role of this variant in disease. Therefore, it has been classified as a Variant of Uncertain Significance.

NM_004364.5(CEBPA):c.918C>G (p.Arg306=)

Gene: CEBPA (CCAAT enhancer binding protein alpha; minus strand). Cytogenetic location: 19q13.11.
Variant type: single nucleotide variant.
Coding change: c.918C>G on transcript NM_004364.5 (MANE Select); coding-DNA position 918, C replaced by G.
Protein change: p.Arg306=; no amino-acid change (arginine 306 retained).
Molecular consequence: synonymous variant.
Genome position (GRCh38, 1-based): chr19:33,301,497, G>C on the plus strand (C>G on the coding strand, the complement: CEBPA is on the minus strand). VCF-style: chr19-33301497-G-C. GRCh37 (hg19) VCF-style: chr19-33792403-G-C.
Other names: c.561C>G, p.Arg187= (NM_001285829.2); c.1023C>G, p.Arg341= (NM_001287424.2); c.876C>G, p.Arg292= (NM_001287435.2).
Identifiers: ClinVar variation 2811878 (VCV002811878.3), dbSNP rs773844593, ClinGen allele CA507007025.